The following is an entry in ClinVar:

NM_001042492.3(NF1):c.1062+6A>T

Gene: NF1 (neurofibromin 1; plus strand). Cytogenetic location: 17q11.2.
Variant type: single nucleotide variant.
Coding change: c.1062+6A>T on transcript NM_001042492.3 (MANE Select); 6 bases into the intron after coding-DNA position 1062, A replaced by T.
Molecular consequence: intron variant.
Genome position (GRCh38, 1-based): chr17:31,200,601, A>T. VCF-style: chr17-31200601-A-T. GRCh37 (hg19) VCF-style: chr17-29527619-A-T.
Other names: c.1062+6A>T (NM_000267.4, NM_001128147.3).
Identifiers: ClinVar variation 2715896 (VCV002715896.3), dbSNP rs1060500291, ClinGen allele CA2697559685.

ClinVar aggregate classification (germline): Uncertain significance (1 of 4 stars; one submission).

Conditions:
Neurofibromatosis, type 1 (NF1). Also called: Neurofibromatosis, type I; NEUROFIBROMATOSIS, TYPE I, SOMATIC; Peripheral type neurofibromatosis; VON RECKLINGHAUSEN DISEASE. Identifiers: Orphanet 636, MedGen C0027831, MONDO:0018975, OMIM 162200. Disease mechanism: loss of function.

Submission:

Labcorp Genetics (formerly Invitae), Labcorp
Classification: Uncertain significance for Neurofibromatosis, type 1. Last evaluated: 2023-06-16. Review status: criteria provided, single submitter. Criteria: Invitae Variant Classification Sherloc (09022015). Collection method: clinical testing. Allele origin: germline.
Comment: In summary, the available evidence is currently insufficient to determine the role of this variant in disease. Therefore, it has been classified as a Variant of Uncertain Significance. Variants that disrupt the consensus splice site are a relatively common cause of aberrant splicing (PMID: 17576681, 9536098). Algorithms developed to predict the effect of sequence changes on RNA splicing suggest that this variant is not likely to affect RNA splicing. This variant has not been reported in the literature in individuals affected with NF1-related conditions. This variant is not present in population databases (gnomAD no frequency). This sequence change falls in intron 9 of the NF1 gene. It does not directly change the encoded amino acid sequence of the NF1 protein. It affects a nucleotide within the consensus splice site.

Literature cited by the submitters: PubMed 17576681; PubMed 9536098.